The following is an entry in ClinVar:

ClinVar aggregate classification (germline): Uncertain significance. Review status: criteria provided, multiple submitters, no conflicts (2 of 4 stars). 2 submissions from 2 submitters: Uncertain significance (2). Last evaluated 2023-11-14.

Allele frequency attached by ClinVar (database versions not stated): gnomAD exomes 0.00001 and 0.00002; TOPMed 0.00001.
gnomAD v4.1: 7 of 1,613,732 alleles (0.00043%); highest among the groups gnomAD compares: Admixed American, 0.0083%; no homozygotes.

Submissions (2):

Labcorp Genetics (formerly Invitae), Labcorp
Classification: Uncertain significance. Last evaluated: 2023-11-14. Review status: criteria provided, single submitter. Criteria: Invitae Variant Classification Sherloc (09022015). Collection method: clinical testing. Allele origin: germline.
Comment: This sequence change falls in intron 35 of the COL4A1 gene. It does not directly change the encoded amino acid sequence of the COL4A1 protein. It affects a nucleotide within the consensus splice site. This variant is present in population databases (no rsID available, gnomAD 0.01%). This variant has not been reported in the literature in individuals affected with COL4A1-related conditions. ClinVar contains an entry for this variant (Variation ID: 1329631). Variants that disrupt the consensus splice site are a relatively common cause of aberrant splicing (PMID: 17576681, 9536098). Algorithms developed to predict the effect of sequence changes on RNA splicing suggest that this variant may disrupt the consensus splice site. In summary, the available evidence is currently insufficient to determine the role of this variant in disease. Therefore, it has been classified as a Variant of Uncertain Significance.

GeneDx
Classification: Uncertain significance. Last evaluated: 2021-12-21. Review status: criteria provided, single submitter. Criteria: GeneDx Variant Classification Process June 2021. Collection method: clinical testing. Allele origin: germline. Affected: yes.
Comment: In silico analysis supports that this variant does not alter splicing; Has not been previously published as pathogenic or benign to our knowledge

Literature cited by the submitters: PubMed 17576681 (cited by Labcorp Genetics (formerly Invitae), Labcorp); PubMed 9536098 (cited by Labcorp Genetics (formerly Invitae), Labcorp).

NM_001845.6(COL4A1):c.2968+3A>G

Gene: COL4A1 (collagen type IV alpha 1 chain; minus strand). Cytogenetic location: 13q34.
Variant type: single nucleotide variant.
Coding change: c.2968+3A>G on transcript NM_001845.6 (MANE Select); 3 bases into the intron after coding-DNA position 2968, A replaced by G.
Molecular consequence: intron variant.
Genome position (GRCh38, 1-based): chr13:110,176,623, T>C on the plus strand (A>G on the coding strand, the complement: COL4A1 is on the minus strand). VCF-style: chr13-110176623-T-C. GRCh37 (hg19) VCF-style: chr13-110828970-T-C.
Identifiers: ClinVar variation 1329631 (VCV001329631.7), dbSNP rs1455733602, ClinGen allele CA612866320.
Genomic context (GRCh38, chr13:110,176,623, plus strand): 5'-CTGGGGAACACAGGCCTCATCCTGAGCCCTTGCCACACTGGGGACCGGAGCTCCACACTG[T>C]ACCTGGCTGCCCAGGCTGTCCTGCCTGCCCGTCCTTTCCAGGCACTCCTGGGGTCCCAGG-3'